The following is an entry in ClinVar:

ClinVar aggregate classification (germline): Uncertain significance (1 of 4 stars; one submission).

Conditions:
Ataxia-telangiectasia syndrome (AT). Also called: Ataxia-telangiectasia, complementation group D; Cerebello-oculocutaneous telangiectasia; Immunodeficiency with ataxia telangiectasia; LOUIS-BAR SYNDROME; Ataxia-telangiectasia; AT, COMPLEMENTATION GROUP C. Identifiers: Orphanet 100, MedGen C0004135, MONDO:0008840, OMIM 208900.

Submission:

Labcorp Genetics (formerly Invitae), Labcorp
Classification: Uncertain significance for Ataxia-telangiectasia syndrome. Last evaluated: 2021-07-22. Review status: criteria provided, single submitter. Criteria: Invitae Variant Classification Sherloc (09022015). Collection method: clinical testing. Allele origin: germline.
Comment: This sequence change replaces methionine with leucine at codon 577 of the ATM protein (p.Met577Leu). The methionine residue is moderately conserved and there is a small physicochemical difference between methionine and leucine. This variant is not present in population databases (ExAC no frequency). This variant has not been reported in the literature in individuals with ATM-related conditions. Algorithms developed to predict the effect of missense changes on protein structure and function (SIFT, PolyPhen-2, Align-GVGD) all suggest that this variant is likely to be tolerated, but these predictions have not been confirmed by published functional studies and their clinical significance is uncertain. In summary, the available evidence is currently insufficient to determine the role of this variant in disease. Therefore, it has been classified as a Variant of Uncertain Significance.

NM_000051.4(ATM):c.1729A>C (p.Met577Leu)

Gene: ATM (ATM serine/threonine kinase; plus strand). Cytogenetic location: 11q22.3.
Variant type: single nucleotide variant.
Coding change: c.1729A>C on transcript NM_000051.4 (MANE Select); coding-DNA position 1729, A replaced by C.
Protein change: p.Met577Leu; replaces methionine 577 with leucine.
Molecular consequence: missense variant.
Genome position (GRCh38, 1-based): chr11:108,251,958, A>C. VCF-style: chr11-108251958-A-C. GRCh37 (hg19) VCF-style: chr11-108122685-A-C.
Other names: c.1729A>C, p.Met577Leu (NM_001351834.2); short protein forms M577L.
Identifiers: ClinVar variation 933881 (VCV000933881.9), dbSNP rs1555071919, ClinGen allele CA382535297.
Genomic context (GRCh38, chr11:108,251,958, plus strand): 5'-ATGGGAATAGAGCAAAATATGTGTGAAGTAAATAGAAGCTTTTCTTTAAAGGAATCAATA[A>C]TGAAATGGCTCTTATTCTATCAGTTAGAGGGTGACTTAGAAAATAGCACAGAAGTGCCTC-3'
Protein context (NP_000042.3, residues 567-587): NRSFSLKESI[Met577Leu]KWLLFYQLEG